The following is an entry in ClinVar:

NM_000744.7(CHRNA4):c.1145C>T (p.Pro382Leu)

Gene: CHRNA4 (cholinergic receptor nicotinic alpha 4 subunit; minus strand). Cytogenetic location: 20q13.33.
Variant type: single nucleotide variant.
Coding change: c.1145C>T on transcript NM_000744.7 (MANE Select); coding-DNA position 1145, C replaced by T.
Protein change: p.Pro382Leu; replaces proline 382 with leucine.
Molecular consequence: missense variant. On other transcripts: non-coding transcript variant (1).
Genome position (GRCh38, 1-based): chr20:63,350,266, G>A on the plus strand (C>T on the coding strand, the complement: CHRNA4 is on the minus strand). VCF-style: chr20-63350266-G-A. GRCh37 (hg19) VCF-style: chr20-61981618-G-A.
Other names: p.P382L:CCG>CTG; c.617C>T, p.Pro206Leu (NM_001256573.2); short protein forms P382L, P206L.
Identifiers: ClinVar variation 205023 (VCV000205023.11), dbSNP rs769233762, ClinGen allele CA313565.

ClinVar aggregate classification (germline): Conflicting classifications of pathogenicity. Review status: criteria provided, conflicting classifications (1 of 4 stars). 2 submissions from 2 submitters: Uncertain significance (1); Likely benign (1). Last evaluated 2024-12-16.

Conditions:
Familial sleep-related hypermotor epilepsy. Also called: Autosomal Dominant Sleep-Related Hypermotor (Hyperkinetic) Epilepsy. Identifiers: Orphanet 98784, MedGen C3696898, MONDO:0000030.

Allele frequency attached by ClinVar (database versions not stated): gnomAD exomes below 0.00001 and 0.00003; TOPMed 0.00001; ExAC 0.00001; gnomAD 0.00001.
gnomAD v4.1: 39 of 1,611,324 alleles (0.0024%); highest among the groups gnomAD compares: Admixed American, 0.0033%; no homozygotes.

Submissions (2):

Labcorp Genetics (formerly Invitae), Labcorp
Classification: Likely benign. Last evaluated: 2024-12-16. Review status: criteria provided, single submitter. Criteria: Invitae Variant Classification Sherloc (09022015). Collection method: clinical testing. Allele origin: germline.

GeneDx
Classification: Uncertain significance. Last evaluated: 2023-08-21. Review status: criteria provided, single submitter. Criteria: GeneDx Variant Classification Process June 2021. Collection method: clinical testing. Allele origin: germline. Affected: yes.
Comment: Not observed at significant frequency in large population cohorts (gnomAD); In silico analysis supports that this missense variant does not alter protein structure/function; Has not been previously published as pathogenic or benign to our knowledge